The following is an entry in ClinVar:

ClinVar aggregate classification (germline): Likely benign. Review status: criteria provided, single submitter (1 of 4 stars). 2 submissions from 2 submitters: Likely benign (1). 1 of the submissions does not count toward it. Last evaluated 2018-06-15.

Conditions:
DNHD1-related disorder. Also called: DNHD1-related condition.

Allele frequency attached by ClinVar (database versions not stated): ESP Exome Variant Server 0.00008.
gnomAD v4.1: 34 of 1,613,552 alleles (0.0021%); highest among the groups gnomAD compares: Middle Eastern, 0.016%; no homozygotes.

Submissions (2):

Labcorp Genetics (formerly Invitae), Labcorp
Classification: Likely benign. Last evaluated: 2018-06-15. Review status: criteria provided, single submitter. Criteria: Invitae Variant Classification Sherloc (09022015). Collection method: clinical testing. Allele origin: germline.

PreventionGenetics, part of Exact Sciences
Classification: Likely benign for DNHD1-related condition. Last evaluated: 2019-05-15. Review status: no assertion criteria provided. Collection method: clinical testing. Allele origin: germline. Not counted in ClinVar's aggregate classification.
Comment: This variant is classified as likely benign based on ACMG/AMP sequence variant interpretation guidelines (Richards et al. 2015 PMID: 25741868, with internal and published modifications).

NM_144666.3(DNHD1):c.12774C>A (p.Pro4258=)

Gene: DNHD1 (dynein heavy chain domain 1; plus strand). Cytogenetic location: 11p15.4.
Variant type: single nucleotide variant.
Coding change: c.12774C>A on transcript NM_144666.3 (MANE Select); coding-DNA position 12774, C replaced by A.
Protein change: p.Pro4258=; no amino-acid change (proline 4258 retained).
Molecular consequence: synonymous variant.
Genome position (GRCh38, 1-based): chr11:6,568,777, C>A. VCF-style: chr11-6568777-C-A. GRCh37 (hg19) VCF-style: chr11-6590007-C-A.
Identifiers: ClinVar variation 756253 (VCV000756253.5), dbSNP rs370634504, ClinGen allele CA5856914.